The following is an entry in ClinVar:

ClinVar aggregate classification (germline): Uncertain significance (1 of 4 stars; one submission).

Conditions:
Gorlin syndrome. Also called: Nevoid Basal Cell Carcinoma Syndrome; Basal cell nevus syndrome. Identifiers: Orphanet 377, MedGen C0004779, MONDO:0007187.

Allele frequency attached by ClinVar (database versions not stated): gnomAD exomes below 0.00001; TOPMed 0.00001; ESP Exome Variant Server 0.00008.
gnomAD v4.1: 1 of 1,614,122 alleles (0.000062%); highest among the groups gnomAD compares: Non-Finnish European, 0.000085%; no homozygotes.

Submission:

Labcorp Genetics (formerly Invitae), Labcorp
Classification: Uncertain significance for Gorlin syndrome. Last evaluated: 2024-11-19. Review status: criteria provided, single submitter. Criteria: Invitae Variant Classification Sherloc (09022015). Collection method: clinical testing. Allele origin: germline.
Comment: This sequence change replaces histidine, which is basic and polar, with proline, which is neutral and non-polar, at codon 612 of the PTCH2 protein (p.His612Pro). This variant is not present in population databases (gnomAD no frequency). This variant has not been reported in the literature in individuals affected with PTCH2-related conditions. ClinVar contains an entry for this variant (Variation ID: 2985404). Invitae Evidence Modeling of protein sequence and biophysical properties (such as structural, functional, and spatial information, amino acid conservation, physicochemical variation, residue mobility, and thermodynamic stability) indicates that this missense variant is not expected to disrupt PTCH2 protein function with a negative predictive value of 80%. In summary, the available evidence is currently insufficient to determine the role of this variant in disease. Therefore, it has been classified as a Variant of Uncertain Significance.

NM_003738.5(PTCH2):c.1835A>C (p.His612Pro)

Gene: PTCH2 (patched 2; minus strand). Cytogenetic location: 1p34.1.
Variant type: single nucleotide variant.
Coding change: c.1835A>C on transcript NM_003738.5 (MANE Select); coding-DNA position 1835, A replaced by C.
Protein change: p.His612Pro; replaces histidine 612 with proline.
Molecular consequence: missense variant.
Genome position (GRCh38, 1-based): chr1:44,828,066, T>G on the plus strand (A>C on the coding strand, the complement: PTCH2 is on the minus strand). VCF-style: chr1-44828066-T-G. GRCh37 (hg19) VCF-style: chr1-45293738-T-G.
Other names: c.1835A>C, p.His612Pro (NM_001166292.2); short protein forms H612P.
Identifiers: ClinVar variation 2985404 (VCV002985404.3), dbSNP rs374047719, ClinGen allele CA21745207.
Genomic context (GRCh38, chr1:44,828,066, plus strand): 5'-CCCAGTGGGTCAGAAGGTGGGGGCACCAGGTGGGCTTGGGGAGGCAGGATGGTGACCACA[T>G]GCTGGCTGCTGGCTTCACAGTGGGTAAAGGCTTGAACTGTGGCAGTGAGGTGGGCAATGC-3'
Protein context (NP_003729.3, residues 602-622): AFTHCEASSQ[His612Pro]VVTILPPQAH